The following is an entry in ClinVar:

NM_152327.5(AK7):c.1378A>G (p.Ile460Val)

Gene: AK7 (adenylate kinase 7; plus strand). Cytogenetic location: 14q32.2.
Variant type: single nucleotide variant.
Coding change: c.1378A>G on transcript NM_152327.5 (MANE Select); coding-DNA position 1378, A replaced by G.
Protein change: p.Ile460Val; replaces isoleucine 460 with valine.
Molecular consequence: missense variant. On other transcripts: intron variant (1).
Genome position (GRCh38, 1-based): chr14:96,471,498, A>G. VCF-style: chr14-96471498-A-G. GRCh37 (hg19) VCF-style: chr14-96937835-A-G.
Other names: c.1378A>G, p.Ile460Val (NM_001350888.2, NM_001350890.2); c.1300A>G, p.Ile434Val (NM_001350891.2); c.1358-6967A>G (NM_001350892.2); short protein forms I434V, I460V.
Identifiers: ClinVar variation 3711483 (VCV003711483.2).

ClinVar aggregate classification (germline): Uncertain significance (1 of 4 stars; one submission).

Submission:

Labcorp Genetics (formerly Invitae), Labcorp
Classification: Uncertain significance. Last evaluated: 2025-02-02. Review status: criteria provided, single submitter. Criteria: Invitae Variant Classification Sherloc (09022015). Collection method: clinical testing. Allele origin: germline.
Comment: This sequence change replaces isoleucine, which is neutral and non-polar, with valine, which is neutral and non-polar, at codon 460 of the AK7 protein (p.Ile460Val). This variant is not present in population databases (gnomAD no frequency). This variant has not been reported in the literature in individuals affected with AK7-related conditions. Invitae Evidence Modeling of protein sequence and biophysical properties (such as structural, functional, and spatial information, amino acid conservation, physicochemical variation, residue mobility, and thermodynamic stability) indicates that this missense variant is not expected to disrupt AK7 protein function with a negative predictive value of 80%. In summary, the available evidence is currently insufficient to determine the role of this variant in disease. Therefore, it has been classified as a Variant of Uncertain Significance.